The following is an entry in ClinVar:

NM_144596.4(TTC8):c.1220C>A (p.Ala407Asp)

Gene: TTC8 (tetratricopeptide repeat domain 8; plus strand). Cytogenetic location: 14q31.3.
Variant type: single nucleotide variant.
Coding change: c.1220C>A on transcript NM_144596.4 (MANE Select); coding-DNA position 1220, C replaced by A.
Protein change: p.Ala407Asp; replaces alanine 407 with aspartic acid.
Molecular consequence: missense variant. On other transcripts: non-coding transcript variant (1).
Genome position (GRCh38, 1-based): chr14:88,871,719, C>A. VCF-style: chr14-88871719-C-A. GRCh37 (hg19) VCF-style: chr14-89338063-C-A.
Other names: c.1268C>A, p.Ala423Asp (NM_001288781.1); c.626C>A, p.Ala209Asp (NM_001288782.1); c.503C>A, p.Ala168Asp (NM_001288783.1); c.1190C>A, p.Ala397Asp (NM_001366535.2, NM_198309.3); c.1100C>A, p.Ala367Asp (NM_001366536.2, NM_198310.3); short protein forms A168D, A209D, A367D, A397D, A407D, A423D.
Identifiers: ClinVar variation 3344353 (VCV003344353.1).

ClinVar aggregate classification (germline): Uncertain significance (0 of 4 stars; one submission).

Conditions:
TTC8-related disorder. Also called: TTC8-related condition.

Submission:

PreventionGenetics, part of Exact Sciences
Classification: Uncertain significance for TTC8-related condition. Last evaluated: 2024-05-02. Review status: no assertion criteria provided. Collection method: clinical testing. Allele origin: germline.
Comment: The TTC8 c.1220C>A variant is predicted to result in the amino acid substitution p.Ala407Asp. To our knowledge, this variant has not been reported in the literature or in a large population database, indicating this variant is rare. At this time, the clinical significance of this variant is uncertain due to the absence of conclusive functional and genetic evidence.